The following is an entry in ClinVar:

ClinVar aggregate classification (germline): Uncertain significance. Review status: criteria provided, multiple submitters, no conflicts (2 of 4 stars). 2 submissions from 2 submitters: Uncertain significance (2). Last evaluated 2026-01-25.

Conditions:
Imerslund-Grasbeck syndrome type 1 (IGS1). Also called: MEGALOBLASTIC ANEMIA, 1; Megaloblastic anemia 1, Finnish type; Imerslund-Gräsbeck syndrome 1. Identifiers: MedGen C4016819, MONDO:0100156, OMIM 261100.
Proteinuria, chronic benign. Identifiers: MedGen C5394384, MONDO:0030042, OMIM 618884.
Imerslund-Grasbeck syndrome. Also called: ENTEROCYTE COBALAMIN MALABSORPTION; ENTEROCYTE INTRINSIC FACTOR RECEPTOR, DEFECT OF; PERNICIOUS ANEMIA, JUVENILE, DUE TO SELECTIVE INTESTINAL MALABSORPTION OF VITAMIN B12, WITH PROTEINURIA; Megaloblastic anemia due to inborn errors of metabolism; Imerslund-Gräsbeck syndrome. Identifiers: Orphanet 35858, MedGen C4551825, MONDO:0009853.

gnomAD v4.1: 30 of 1,613,716 alleles (0.0019%); highest among the groups gnomAD compares: Admixed American, 0.0033%; no homozygotes.

Submissions (2):

Labcorp Genetics (formerly Invitae), Labcorp
Classification: Uncertain significance for Imerslund-Grasbeck syndrome. Last evaluated: 2026-01-25. Review status: criteria provided, single submitter. Criteria: Invitae Variant Classification Sherloc (09022015). Collection method: clinical testing. Allele origin: germline.
Comment: This sequence change affects codon 1736 of the CUBN mRNA. It is a 'silent' change, meaning that it does not change the encoded amino acid sequence of the CUBN protein. It affects a nucleotide within the consensus splice site. This variant is present in population databases (rs750853231, gnomAD 0.003%). This variant has not been reported in the literature in individuals affected with CUBN-related conditions. ClinVar contains an entry for this variant (Variation ID: 3593059). Algorithms developed to predict the effect of sequence changes on RNA splicing suggest that this variant is not likely to affect RNA splicing. In summary, the available evidence is currently insufficient to determine the role of this variant in disease. Therefore, it has been classified as a Variant of Uncertain Significance.

Fulgent Genetics
Classification: Uncertain significance for Imerslund-Grasbeck syndrome type 1; Proteinuria, chronic benign. Last evaluated: 2024-06-20. Review status: criteria provided, single submitter. Criteria: ACMG Guidelines, 2015. Collection method: clinical testing. Allele origin: germline.

NM_001081.4(CUBN):c.5208G>A (p.Ser1736=)

Gene: CUBN (cubilin; minus strand). Cytogenetic location: 10p13.
Variant type: single nucleotide variant.
Coding change: c.5208G>A on transcript NM_001081.4 (MANE Select); coding-DNA position 5208, G replaced by A.
Protein change: p.Ser1736=; no amino-acid change (serine 1736 retained).
Molecular consequence: synonymous variant.
Genome position (GRCh38, 1-based): chr10:16,948,479, C>T on the plus strand (G>A on the coding strand, the complement: CUBN is on the minus strand). VCF-style: chr10-16948479-C-T. GRCh37 (hg19) VCF-style: chr10-16990478-C-T.
Identifiers: ClinVar variation 3593059 (VCV003593059.2).
Genomic context (GRCh38, chr10:16,948,479, plus strand): 5'-ACCAAGAATTTCTACCACATCCCTTTTAACCGCTAGAGTCAGGTGCTAGGGTTTCTTACC[C>T]GACACTGATGCGGTGACCGTGGTGTGGAAACCCCCAGCACTGATGCTAGAATCAGAGACG-3'
Protein context (NP_001072.2, residues 1726-1746): GFHTTVTASV[Ser1736=]ACGGTFYMAE